The following is an entry in ClinVar:

NM_007118.4(TRIO):c.3348C>T (p.Leu1116=)

Gene: TRIO (trio Rho guanine nucleotide exchange factor; plus strand). Cytogenetic location: 5p15.2.
Variant type: single nucleotide variant.
Coding change: c.3348C>T on transcript NM_007118.4 (MANE Select); coding-DNA position 3348, C replaced by T.
Protein change: p.Leu1116=; no amino-acid change (leucine 1116 retained).
Molecular consequence: synonymous variant. On other transcripts: non-coding transcript variant (1).
Genome position (GRCh38, 1-based): chr5:14,378,028, C>T. VCF-style: chr5-14378028-C-T. GRCh37 (hg19) VCF-style: chr5-14378137-C-T.
Identifiers: ClinVar variation 1193111 (VCV001193111.28), dbSNP rs577842024, ClinGen allele CA3206160.

ClinVar aggregate classification (germline): Likely benign. Review status: criteria provided, multiple submitters, no conflicts (2 of 4 stars). 4 submissions from 4 submitters: Likely benign (4). Last evaluated 2024-09-16.

Allele frequency attached by ClinVar (database versions not stated): gnomAD exomes 0.00003 and 0.00004; ExAC 0.00005; TOPMed 0.00012; gnomAD 0.00013; 1000 Genomes Project 30x 0.00016; 1000 Genomes Project 0.00020.
gnomAD v4.1: 60 of 1,612,678 alleles (0.0037%); highest among the groups gnomAD compares: Middle Eastern, 0.066%; 1 homozygote.

Submissions (4):

Blueprint Genetics
Classification: Likely benign. Last evaluated: 2024-09-16. Review status: criteria provided, single submitter. Criteria: ACMG Guidelines, 2015. Collection method: clinical testing. Allele origin: germline.

CeGaT Center for Human Genetics Tuebingen
Classification: Likely benign. Last evaluated: 2022-04-01. Review status: criteria provided, single submitter. Criteria: CeGaT Center For Human Genetics Tuebingen Variant Classification Criteria Version 2. Collection method: clinical testing. Allele origin: germline. Affected: yes. Observed: 1 variant allele.
Comment: TRIO: BP4

GeneDx
Classification: Likely benign. Last evaluated: 2021-07-29. Review status: criteria provided, single submitter. Criteria: GeneDx Variant Classification Process June 2021. Collection method: clinical testing. Allele origin: germline. Affected: yes.

Breakthrough Genomics
Classification: Likely benign. Review status: criteria provided, single submitter. Criteria: ACMG Guidelines, 2015. Collection method: not provided. Allele origin: germline. Inheritance: Autosomal dominant inheritance. Affected: yes.